The following is an entry in ClinVar:

NM_152564.5(VPS13B):c.2047del (p.Gln683fs)

Gene: VPS13B (vacuolar protein sorting 13 homolog B; plus strand). Cytogenetic location: 8q22.2.
Variant type: Deletion.
Coding change: c.2047del on transcript NM_152564.5 (MANE Select); coding-DNA position 2047, one base deleted (C; older notation c.2047delC).
Protein change: p.Gln683fs; shifts the reading frame from glutamine 683.
Molecular consequence: frameshift variant.
Genome position (GRCh38, 1-based): chr8:99,156,582, C deleted; the last of 2 consecutive C bases (chr8:99,156,581-99,156,582); deleting either gives the same sequence. VCF-style (leftmost placement, unchanged base first): chr8-99156580-TC-T. GRCh37 (hg19) VCF-style: chr8-100168808-TC-T.
Other names: c.2047delC (NM_017890.4); c.2047del, p.Gln683fs (NM_015243.3, NM_017890.5); short protein forms Q683fs.
Identifiers: ClinVar variation 56649 (VCV000056649.4), dbSNP rs386834074, ClinGen allele CA264041.
Genomic context (GRCh38, chr8:99,156,580, plus strand): 5'-AATATAAAGCGAACACTATTATTTTCTAGAACTCAAGTAACTTCATGAATACTACAAACT[TC>T]CAGTCTCTTCGGCCTTTGCCATCCATTCGAATATTGGTGGATAAAATTAATCTGGAACAT-3'

ClinVar aggregate classification (germline): Pathogenic. Review status: criteria provided, multiple submitters, no conflicts (2 of 4 stars). 3 submissions from 3 submitters: Pathogenic (2). 1 of the submissions does not count toward it. Last evaluated 2025-06-28.

Conditions:
Cohen syndrome (COH1). Also called: Cutis verticis gyrata, retinitis pigmentosa, and sensorineural deafness; PEPPER SYNDROME. Identifiers: Orphanet 193, MedGen C0265223, MONDO:0008999, OMIM 216550.

Submissions (3):

Dasa
Classification: Pathogenic. Last evaluated: 2025-06-28. Review status: criteria provided, single submitter. Criteria: DASA Assertion Criteria. Collection method: clinical testing. Allele origin: germline.
Comment: NM_152564.5(VPS13B):c.2047del (p.Gln683Serfs*62) introduces a premature termination codon predicted to result in loss of normal protein function. Loss-of-function is an established mechanism of disease for this gene. This variant has been reported in an affected individual with related phenotype in a genotype context consistent with recessive disease (PMID: 17990063). The variant is present at low frequency in population datasets. Based on the available data, this variant is classified as pathogenic.

Mendelics
Classification: Pathogenic for Cohen syndrome. Last evaluated: 2022-05-04. Review status: criteria provided, single submitter. Criteria: Mendelics Assertion Criteria 2019. Collection method: clinical testing. Allele origin: germline.

Juha Muilu Group; Institute for Molecular Medicine Finland (FIMM)
Classification: Likely pathogenic for Cohen syndrome. Review status: no assertion criteria provided. Collection method: not provided. Allele origin: unknown. Not counted in ClinVar's aggregate classification.
Comment: FinDis database variant: This variant was not found or characterized by our laboratory, data were collected from public sources: see reference
ClinVar note: Converted during submission from probable-pathogenic to Likely pathogenic.

Literature cited by the submitters: PubMed 17990063 (cited by Dasa).